The following is an entry in ClinVar:

NM_000051.4(ATM):c.4681C>T (p.Leu1561Phe)

Gene: ATM (ATM serine/threonine kinase; plus strand). Cytogenetic location: 11q22.3.
Variant type: single nucleotide variant.
Coding change: c.4681C>T on transcript NM_000051.4 (MANE Select); coding-DNA position 4681, C replaced by T.
Protein change: p.Leu1561Phe; replaces leucine 1561 with phenylalanine.
Molecular consequence: missense variant.
Genome position (GRCh38, 1-based): chr11:108,293,382, C>T. VCF-style: chr11-108293382-C-T. GRCh37 (hg19) VCF-style: chr11-108164109-C-T.
Other names: c.4681C>T, p.Leu1561Phe (NM_001351834.2); short protein forms L1561F.
Identifiers: ClinVar variation 825092 (VCV000825092.13), dbSNP rs1591677342, ClinGen allele CA382534753.

ClinVar aggregate classification (germline): Uncertain significance. Review status: criteria provided, multiple submitters, no conflicts (2 of 4 stars). 3 submissions from 3 submitters: Uncertain significance (3). Last evaluated 2025-02-19.

Conditions:
Ataxia-telangiectasia syndrome (AT). Also called: ATAXIA-TELANGIECTASIA, COMPLEMENTATION GROUP A; ATAXIA-TELANGIECTASIA, FRESNO VARIANT; Ataxia-telangiectasia, complementation group E; Ataxia telangiectasia (A-T); LOUIS-BAR SYNDROME; Cerebello-oculocutaneous telangiectasia. Identifiers: Orphanet 100, MedGen C0004135, MONDO:0008840, OMIM 208900.
Hereditary cancer-predisposing syndrome. Also called: Neoplastic Syndromes, Hereditary; Hereditary Cancer Syndrome; Hereditary neoplastic syndrome; Tumor predisposition. Identifiers: Orphanet 140162, MedGen C0027672, MeSH D009386, MONDO:0015356.

Submissions (3):

Labcorp Genetics (formerly Invitae), Labcorp
Classification: Uncertain significance for Ataxia-telangiectasia syndrome. Last evaluated: 2025-02-19. Review status: criteria provided, single submitter. Criteria: Invitae Variant Classification Sherloc (09022015). Collection method: clinical testing. Allele origin: germline.
Comment: This sequence change replaces leucine, which is neutral and non-polar, with phenylalanine, which is neutral and non-polar, at codon 1561 of the ATM protein (p.Leu1561Phe). This variant is not present in population databases (gnomAD no frequency). This variant has not been reported in the literature in individuals affected with ATM-related conditions. ClinVar contains an entry for this variant (Variation ID: 825092). Invitae Evidence Modeling of protein sequence and biophysical properties (such as structural, functional, and spatial information, amino acid conservation, physicochemical variation, residue mobility, and thermodynamic stability) indicates that this missense variant is not expected to disrupt ATM protein function with a negative predictive value of 95%. In summary, the available evidence is currently insufficient to determine the role of this variant in disease. Therefore, it has been classified as a Variant of Uncertain Significance.

Ambry Genetics
Classification: Uncertain significance for Hereditary cancer-predisposing syndrome. Last evaluated: 2022-04-20. Review status: criteria provided, single submitter. Criteria: Ambry Variant Classification Scheme 2023. Collection method: clinical testing. Allele origin: germline.
Comment: The p.L1561F variant (also known as c.4681C>T), located in coding exon 30 of the ATM gene, results from a C to T substitution at nucleotide position 4681. The leucine at codon 1561 is replaced by phenylalanine, an amino acid with highly similar properties. This alteration has been reported in a control population of Japanese men and women without a personal or family history of cancer (Momozawa Y et al. Nat Commun, 2018 10;9:4083). This amino acid position is not well conserved in available vertebrate species. In addition, this alteration is predicted to be tolerated by in silico analysis. Since supporting evidence is limited at this time, the clinical significance of this alteration remains unclear.

GeneDx
Classification: Uncertain significance. Last evaluated: 2020-02-21. Review status: criteria provided, single submitter. Criteria: GeneDx Variant Classification Process June 2021. Collection method: clinical testing. Allele origin: germline. Affected: yes.
Comment: Not observed in large population cohorts (Lek 2016); In silico analysis supports that this missense variant does not alter protein structure/function; Observed in unaffected individuals in a case-control study (Momozawa 2018); This variant is associated with the following publications: (PMID: 30287823)

Literature cited by the submitters: PubMed 30287823 (cited by Ambry Genetics).